The following is an entry in ClinVar:

NM_005076.5(CNTN2):c.1439G>A (p.Arg480Gln)

Gene: CNTN2 (contactin 2; plus strand). Cytogenetic location: 1q32.1.
Variant type: single nucleotide variant.
Coding change: c.1439G>A on transcript NM_005076.5 (MANE Select); coding-DNA position 1439, G replaced by A.
Protein change: p.Arg480Gln; replaces arginine 480 with glutamine.
Molecular consequence: missense variant. On other transcripts: non-coding transcript variant (1).
Genome position (GRCh38, 1-based): chr1:205,064,670, G>A. VCF-style: chr1-205064670-G-A. GRCh37 (hg19) VCF-style: chr1-205033798-G-A.
Other names: c.1439G>A, p.Arg480Gln (NM_001346083.2); short protein forms R480Q.
Identifiers: ClinVar variation 649086 (VCV000649086.6), dbSNP rs538046968, ClinGen allele CA1351386.

ClinVar aggregate classification (germline): Uncertain significance (1 of 4 stars; one submission).

Conditions:
Epilepsy, familial adult myoclonic, 5 (EPEO5). Also called: CORTICAL MYOCLONIC TREMOR WITH EPILEPSY, FAMILIAL, 5. Identifiers: Orphanet 86814, MedGen C3809374, MONDO:0014167, OMIM 615400.

Allele frequency attached by ClinVar (database versions not stated): gnomAD 0.00002 and 0.00003; TOPMed 0.00002; gnomAD exomes 0.00004 and 0.00008; ExAC 0.00007; 1000 Genomes Project 30x 0.00016; 1000 Genomes Project 0.00020.
gnomAD v4.1: 60 of 1,614,108 alleles (0.0037%); highest among the groups gnomAD compares: South Asian, 0.022%; no homozygotes.

Submission:

Labcorp Genetics (formerly Invitae), Labcorp
Classification: Uncertain significance for Epilepsy, familial adult myoclonic, 5. Last evaluated: 2022-08-23. Review status: criteria provided, single submitter. Criteria: Invitae Variant Classification Sherloc (09022015). Collection method: clinical testing. Allele origin: germline.
Comment: This sequence change replaces arginine, which is basic and polar, with glutamine, which is neutral and polar, at codon 480 of the CNTN2 protein (p.Arg480Gln). This variant is present in population databases (rs538046968, gnomAD 0.04%). This variant has not been reported in the literature in individuals affected with CNTN2-related conditions. ClinVar contains an entry for this variant (Variation ID: 649086). Advanced modeling of protein sequence and biophysical properties (such as structural, functional, and spatial information, amino acid conservation, physicochemical variation, residue mobility, and thermodynamic stability) performed at Invitae indicates that this missense variant is not expected to disrupt CNTN2 protein function. In summary, the available evidence is currently insufficient to determine the role of this variant in disease. Therefore, it has been classified as a Variant of Uncertain Significance.